The following is an entry in ClinVar:

ClinVar aggregate classification (germline): Uncertain significance. Review status: criteria provided, multiple submitters, no conflicts (2 of 4 stars). 2 submissions from 2 submitters: Uncertain significance (2). Last evaluated 2022-11-14.

Submissions (2):

GeneDx
Classification: Uncertain significance. Last evaluated: 2022-11-14. Review status: criteria provided, single submitter. Criteria: GeneDx Variant Classification Process June 2021. Collection method: clinical testing. Allele origin: germline. Affected: yes.
Comment: In silico analysis supports a deleterious effect on protein structure/function; Has not been previously published as pathogenic or benign to our knowledge

Labcorp Genetics (formerly Invitae), Labcorp
Classification: Uncertain significance. Last evaluated: 2022-01-06. Review status: criteria provided, single submitter. Criteria: Invitae Variant Classification Sherloc (09022015). Collection method: clinical testing. Allele origin: germline.
Comment: This sequence change replaces arginine, which is basic and polar, with tyrosine, which is neutral and polar, at codon 2360 of the ADGRV1 protein (p.Arg2360Tyr). Information on the frequency of this variant in the gnomAD database is not available, as this variant may be reported differently in the database. This variant has not been reported in the literature in individuals affected with ADGRV1-related conditions. ClinVar contains an entry for this variant (Variation ID: 1039156). Algorithms developed to predict the effect of missense changes on protein structure and function are either unavailable or do not agree on the potential impact of this missense change (SIFT: "Not Available"; PolyPhen-2: "Probably Damaging"; Align-GVGD: "Not Available"). In summary, the available evidence is currently insufficient to determine the role of this variant in disease. Therefore, it has been classified as a Variant of Uncertain Significance.

NM_032119.4(ADGRV1):c.7078_7079delinsTA (p.Arg2360Tyr)

Gene: ADGRV1 (adhesion G protein-coupled receptor V1; plus strand). Cytogenetic location: 5q14.3.
Variant type: Indel.
Coding change: c.7078_7079delinsTA on transcript NM_032119.4 (MANE Select); coding-DNA positions 7078 to 7079, CG replaced by TA.
Protein change: p.Arg2360Tyr; replaces arginine 2360 with tyrosine.
Molecular consequence: missense variant. On other transcripts: non-coding transcript variant (1).
Genome position (GRCh38, 1-based): chr5:90,692,731-90,692,732, CG replaced by TA. VCF-style: chr5-90692731-CG-TA. GRCh37 (hg19) VCF-style: chr5-89988548-CG-TA.
Other names: c.7078_7079delinsTA (NM_032119.3); short protein forms R2360Y.
Identifiers: ClinVar variation 1039156 (VCV001039156.9), dbSNP rs1746646550, ClinGen allele CA1562859307.